The following is an entry in ClinVar:

NM_000051.4(ATM):c.634T>C (p.Phe212Leu)

Gene: ATM (ATM serine/threonine kinase; plus strand). Cytogenetic location: 11q22.3.
Variant type: single nucleotide variant.
Coding change: c.634T>C on transcript NM_000051.4 (MANE Select); coding-DNA position 634, T replaced by C.
Protein change: p.Phe212Leu; replaces phenylalanine 212 with leucine.
Molecular consequence: missense variant.
Genome position (GRCh38, 1-based): chr11:108,244,090, T>C. VCF-style: chr11-108244090-T-C. GRCh37 (hg19) VCF-style: chr11-108114817-T-C.
Other names: c.634T>C, p.Phe212Leu (NM_001351834.2); short protein forms F212L.
Identifiers: ClinVar variation 232670 (VCV000232670.5), dbSNP rs876659912, ClinGen allele CA10578968.

ClinVar aggregate classification (germline): Uncertain significance (1 of 4 stars; one submission).

Conditions:
Hereditary cancer-predisposing syndrome. Also called: Neoplastic Syndromes, Hereditary; Tumor predisposition; Hereditary Cancer Syndrome; Hereditary neoplastic syndrome. Identifiers: Orphanet 140162, MedGen C0027672, MeSH D009386, MONDO:0015356.

Submission:

Ambry Genetics
Classification: Uncertain significance for Hereditary cancer-predisposing syndrome. Last evaluated: 2019-09-27. Review status: criteria provided, single submitter. Criteria: Ambry Variant Classification Scheme 2023. Collection method: clinical testing. Allele origin: germline.
Comment: The p.F212L variant (also known as c.634T>C), located in coding exon 5 of the ATM gene, results from a T to C substitution at nucleotide position 634. The phenylalanine at codon 212 is replaced by leucine, an amino acid with highly similar properties. This amino acid position is not well conserved, and leucine is the reference amino acid in several species. In addition, this alteration is predicted to be tolerated by in silico analysis. Since supporting evidence is limited at this time, the clinical significance of this alteration remains unclear.